The following is an entry in ClinVar:

ClinVar aggregate classification (germline): Uncertain significance (1 of 4 stars; one submission).

Conditions:
Primary ciliary dyskinesia 3. Identifiers: Orphanet 244, MedGen C1837618, MONDO:0012085, OMIM 608644.

Submission:

Centre for Mendelian Genomics, University Medical Centre Ljubljana
Classification: Uncertain significance for Primary ciliary dyskinesia 3. Last evaluated: 2020-03-12. Review status: criteria provided, single submitter. Criteria: ACMG Guidelines, 2015. Collection method: clinical testing. Allele origin: unknown. Affected: yes.
Comment: This variant was classified as: Uncertain significance. The available evidence favors the pathogenic nature of this variant, however the currently available data is insufficient to conclusively support its pathogenic nature. Thus this variant is classified as Uncertain significance - favor pathogenic. The following ACMG criteria were applied in classifying this variant: PM2,PP3.

NM_001369.3(DNAH5):c.13369T>G (p.Trp4457Gly)

Gene: DNAH5 (dynein axonemal heavy chain 5; minus strand). Cytogenetic location: 5p15.2.
Variant type: single nucleotide variant.
Coding change: c.13369T>G on transcript NM_001369.3 (MANE Select); coding-DNA position 13369, T replaced by G.
Protein change: p.Trp4457Gly; replaces tryptophan 4457 with glycine.
Molecular consequence: missense variant.
Genome position (GRCh38, 1-based): chr5:13,701,406, A>C on the plus strand (T>G on the coding strand, the complement: DNAH5 is on the minus strand). VCF-style: chr5-13701406-A-C. GRCh37 (hg19) VCF-style: chr5-13701515-A-C.
Other names: short protein forms W4457G.
Identifiers: ClinVar variation 931886 (VCV000931886.3), dbSNP rs1427121789, ClinGen allele CA359193437.